The following is an entry in ClinVar:

NM_022356.4(P3H1):c.866del (p.His289fs)

Gene: P3H1 (prolyl 3-hydroxylase 1; minus strand). Cytogenetic location: 1p34.2.
Variant type: Deletion.
Coding change: c.866del on transcript NM_022356.4 (MANE Select); coding-DNA position 866, one base deleted (A; older notation c.866delA).
Protein change: p.His289fs; shifts the reading frame from histidine 289.
Molecular consequence: frameshift variant.
Genome position (GRCh38, 1-based): chr1:42,758,926, T deleted on the plus strand (A on the coding strand, the reverse complement: P3H1 is on the minus strand). VCF-style (leftmost placement, unchanged base first): chr1-42758925-GT-G. GRCh37 (hg19) VCF-style: chr1-43224596-GT-G.
Other names: c.866del, p.His289fs (NM_001146289.2, NM_001243246.2); short protein forms H289fs.
Identifiers: ClinVar variation 2835360 (VCV002835360.3), dbSNP rs2524470295, ClinGen allele CA2739272500.

ClinVar aggregate classification (germline): Pathogenic (1 of 4 stars; one submission).

Conditions:
Osteogenesis imperfecta type 8 (OI8). Identifiers: MedGen C1970458, MONDO:0012581, OMIM 610915.

Submission:

Labcorp Genetics (formerly Invitae), Labcorp
Classification: Pathogenic for Osteogenesis imperfecta type 8. Last evaluated: 2023-02-08. Review status: criteria provided, single submitter. Criteria: Invitae Variant Classification Sherloc (09022015). Collection method: clinical testing. Allele origin: germline.
Comment: This sequence change creates a premature translational stop signal (p.His289Profs*48) in the P3H1 gene. It is expected to result in an absent or disrupted protein product. Loss-of-function variants in P3H1 are known to be pathogenic (PMID: 17277775, 18566967, 19088120, 22281939). This variant is not present in population databases (gnomAD no frequency). This variant has not been reported in the literature in individuals affected with P3H1-related conditions. For these reasons, this variant has been classified as Pathogenic.

Literature cited by the submitters: PubMed 17277775; PubMed 18566967; PubMed 19088120; PubMed 22281939.